The following is an entry in ClinVar:

ClinVar aggregate classification (germline): Uncertain significance (1 of 4 stars; one submission).

Submission:

ISCA site 14
Classification: Uncertain significance. Last evaluated: 2011-08-12. Review status: criteria provided, single submitter. Criteria: Kaminsky et al. (Genet Med. 2011). Collection method: clinical testing. Allele origin: de novo. Affected: yes. Observed: 1 variant allele.
Comment: Copy number variation identified through the course of routine clinical cytogenomic testing in postnatal populations. Clinical assertions have been curated as described in Kaminsky et al. 2011.

GRCh38/hg38 1p21.3(chr1:97417705-97919058)x3

Genes: DPYD (dihydropyrimidine dehydrogenase; minus strand), DPYD-AS2 (DPYD antisense RNA 2; plus strand), LOC129930997 (ATAC-STARR-seq lymphoblastoid active region 1356; plus strand). Cytogenetic location: 1p21.3.
Variant type: copy number gain.
Change: copy number 3 (three copies instead of two) of chr1:97,417,705-97,919,058 (501.4 kb, GRCh38 coordinates, 1-based), cytogenetic band 1p21.3.
Identifiers: ClinVar variation 57787 (VCV000057787.1).